The following is an entry in ClinVar:

ClinVar aggregate classification (germline): Conflicting classifications of pathogenicity. Review status: criteria provided, conflicting classifications (1 of 4 stars). 4 submissions from 4 submitters: Uncertain significance (3); Likely benign (1). Last evaluated 2025-06-10.

Conditions:
Hereditary cancer-predisposing syndrome. Also called: Hereditary Cancer Syndrome; Hereditary neoplastic syndrome; Neoplastic Syndromes, Hereditary; Tumor predisposition. Identifiers: Orphanet 140162, MedGen C0027672, MeSH D009386, MONDO:0015356.
Familial adenomatous polyposis 1 (FAP1). Also called: FAMILIAL ADENOMATOUS POLYPOSIS 1, ATTENUATED; POLYPOSIS, ADENOMATOUS INTESTINAL. Identifiers: MedGen C2713442, MONDO:0021056, OMIM 175100. Disease mechanism: loss of function.

Allele frequency attached by ClinVar (database versions not stated): gnomAD exomes below 0.00001; TOPMed below 0.00001; ExAC 0.00001; gnomAD 0.00001; 1000 Genomes Project 0.00040; 1000 Genomes Project 30x 0.00047.
gnomAD v4.1: 2 of 1,613,986 alleles (0.00012%); highest among the groups gnomAD compares: East Asian, 0.0045%; no homozygotes.

Submissions (4):

Labcorp Genetics (formerly Invitae), Labcorp
Classification: Uncertain significance for Familial adenomatous polyposis 1. Last evaluated: 2025-06-10. Review status: criteria provided, single submitter. Criteria: Invitae Variant Classification Sherloc (09022015). Collection method: clinical testing. Allele origin: germline.
Comment: This sequence change replaces asparagine, which is neutral and polar, with serine, which is neutral and polar, at codon 1980 of the APC protein (p.Asn1980Ser). This variant is present in population databases (rs180727920, gnomAD 0.01%). This variant has not been reported in the literature in individuals affected with APC-related conditions. ClinVar contains an entry for this variant (Variation ID: 1750604). Invitae Evidence Modeling of protein sequence and biophysical properties (such as structural, functional, and spatial information, amino acid conservation, physicochemical variation, residue mobility, and thermodynamic stability) indicates that this missense variant is not expected to disrupt APC protein function with a negative predictive value of 95%. In summary, the available evidence is currently insufficient to determine the role of this variant in disease. Therefore, it has been classified as a Variant of Uncertain Significance.

Color Diagnostics, LLC DBA Color Health
Classification: Uncertain significance for Hereditary cancer-predisposing syndrome. Last evaluated: 2024-03-06. Review status: criteria provided, single submitter. Criteria: ACMG Guidelines, 2015. Collection method: clinical testing. Allele origin: germline.
Comment: This missense variant replaces asparagine with serine at codon 1980 of the APC protein. Computational prediction suggests that this variant may not impact protein structure and function (internally defined REVEL score threshold <= 0.5, PMID: 27666373). To our knowledge, functional studies have not been reported for this variant. This variant has not been reported in individuals affected with APC-related disorders in the literature. This variant has been identified in 3/250476 chromosomes in the general population by the Genome Aggregation Database (gnomAD). The available evidence is insufficient to determine the role of this variant in disease conclusively. Therefore, this variant is classified as a Variant of Uncertain Significance.

Baylor Genetics
Classification: Uncertain significance for Familial adenomatous polyposis 1. Last evaluated: 2023-06-26. Review status: criteria provided, single submitter. Criteria: ACMG Guidelines, 2015. Collection method: clinical testing. Allele origin: unknown.

Ambry Genetics
Classification: Likely benign for Hereditary cancer-predisposing syndrome. Last evaluated: 2022-09-24. Review status: criteria provided, single submitter. Criteria: Ambry Variant Classification Scheme 2023. Collection method: clinical testing. Allele origin: germline.

NM_000038.6(APC):c.5939A>G (p.Asn1980Ser)

Gene: APC (APC regulator of Wnt signaling pathway; plus strand). Cytogenetic location: 5q22.2.
Variant type: single nucleotide variant.
Coding change: c.5939A>G on transcript NM_000038.6 (MANE Select); coding-DNA position 5939, A replaced by G.
Protein change: p.Asn1980Ser; replaces asparagine 1980 with serine.
Molecular consequence: missense variant.
Genome position (GRCh38, 1-based): chr5:112,841,533, A>G. VCF-style: chr5-112841533-A-G. GRCh37 (hg19) VCF-style: chr5-112177230-A-G.
Other names: c.5552A>G, p.Asn1851Ser (NM_001407469.1, NM_001407467.1); c.4787A>G, p.Asn1596Ser (NM_001407472.1, NM_001407471.1); c.5090A>G, p.Asn1697Ser (NM_001407470.1, NM_001354906.2); c.5939A>G, p.Asn1980Ser (NM_001127510.3, NM_001354895.2, NM_001407450.1); c.5885A>G, p.Asn1962Ser (NM_001127511.3); c.5993A>G, p.Asn1998Ser (NM_001354896.2, NM_001407447.1, NM_001407448.1 and 1 more transcripts); c.5969A>G, p.Asn1990Ser (NM_001354897.2); c.5864A>G, p.Asn1955Ser (NM_001354898.2); and 11 more; short protein forms N1854S, N1879S, N1889S, N1973S, N1998S, N2008S, N1697S, N1820S.
Identifiers: ClinVar variation 1750604 (VCV001750604.9), dbSNP rs180727920, ClinGen allele CA043463.
Genomic context (GRCh38, chr5:112,841,533, plus strand): 5'-CGGTTTGCTTTTCTCATAATTCCTCTCTGAGTTCTCTCAGTGACATTGACCAAGAAAACA[A>G]CAATAAAGAAAATGAACCTATCAAAGAGACTGAGCCCCCTGACTCACAGGGAGAACCAAG-3'
Protein context (NP_000029.2, residues 1970-1990): SSLSDIDQEN[Asn1980Ser]NKENEPIKET